The following is an entry in ClinVar:

NM_001348800.3(ZBTB20):c.1844T>C (p.Phe615Ser)

Gene: ZBTB20 (zinc finger and BTB domain containing 20; minus strand). Cytogenetic location: 3q13.31.
Variant type: single nucleotide variant.
Coding change: c.1844T>C on transcript NM_001348800.3 (MANE Select); coding-DNA position 1844, T replaced by C.
Protein change: p.Phe615Ser; replaces phenylalanine 615 with serine.
Molecular consequence: missense variant. On other transcripts: non-coding transcript variant (1).
Genome position (GRCh38, 1-based): chr3:114,339,387, A>G on the plus strand (T>C on the coding strand, the complement: ZBTB20 is on the minus strand). VCF-style: chr3-114339387-A-G. GRCh37 (hg19) VCF-style: chr3-114058234-A-G.
Other names: c.1844T>C, p.Phe615Ser (NM_001164342.2, NM_001348803.3); c.1625T>C, p.Phe542Ser (NM_001164343.2, NM_001164344.4, NM_001164345.4 and 7 more transcripts); short protein forms F542S, F615S.
Identifiers: ClinVar variation 998787 (VCV000998787.8), dbSNP rs2079593999, ClinGen allele CA354001601.

ClinVar aggregate classification (germline): Uncertain significance (1 of 4 stars; one submission).

Submission:

Labcorp Genetics (formerly Invitae), Labcorp
Classification: Uncertain significance. Last evaluated: 2022-07-27. Review status: criteria provided, single submitter. Criteria: Invitae Variant Classification Sherloc (09022015). Collection method: clinical testing. Allele origin: germline.
Comment: This variant is not present in population databases (gnomAD no frequency). This sequence change replaces phenylalanine, which is neutral and non-polar, with serine, which is neutral and polar, at codon 615 of the ZBTB20 protein (p.Phe615Ser). In summary, the available evidence is currently insufficient to determine the role of this variant in disease. Therefore, it has been classified as a Variant of Uncertain Significance. Algorithms developed to predict the effect of missense changes on protein structure and function (SIFT, PolyPhen-2, Align-GVGD) all suggest that this variant is likely to be disruptive. ClinVar contains an entry for this variant (Variation ID: 998787). This missense change has been observed in individual(s) with clinical features of Primrose syndrome (Invitae).